The following is an entry in ClinVar:

ClinVar aggregate classification (germline): Uncertain significance. Review status: criteria provided, multiple submitters, no conflicts (2 of 4 stars). 2 submissions from 2 submitters: Uncertain significance (2). Last evaluated 2025-05-18.

Conditions:
Inborn genetic diseases. Identifiers: MedGen C0950123, MeSH D030342.

Allele frequency attached by ClinVar (database versions not stated): ExAC 0.00002; gnomAD exomes 0.00002; gnomAD 0.00003; TOPMed 0.00003; ESP Exome Variant Server 0.00008.

Submissions (2):

Labcorp Genetics (formerly Invitae), Labcorp
Classification: Uncertain significance. Last evaluated: 2025-05-18. Review status: criteria provided, single submitter. Criteria: Invitae Variant Classification Sherloc (09022015). Collection method: clinical testing. Allele origin: germline.
Comment: This sequence change replaces arginine, which is basic and polar, with glutamine, which is neutral and polar, at codon 73 of the TRPV6 protein (p.Arg73Gln). This variant is present in population databases (rs151059940, gnomAD 0.01%). This missense change has been observed in individual(s) with chronic pancreatitis (PMID: 31930989). ClinVar contains an entry for this variant (Variation ID: 2613648). An algorithm developed to predict the effect of missense changes on protein structure and function outputs the following: PolyPhen-2: "Not Available". The glutamine amino acid residue is found in multiple mammalian species, which suggests that this missense change does not adversely affect protein function. In summary, the available evidence is currently insufficient to determine the role of this variant in disease. Therefore, it has been classified as a Variant of Uncertain Significance.

Ambry Genetics
Classification: Uncertain significance for Inborn genetic diseases. Last evaluated: 2023-07-25. Review status: criteria provided, single submitter. Criteria: Ambry Variant Classification Scheme 2023. Collection method: clinical testing. Allele origin: germline.

Literature cited by the submitters: PubMed 31930989 (cited by Labcorp Genetics (formerly Invitae), Labcorp).

NM_018646.6(TRPV6):c.218G>A (p.Arg73Gln)

Gene: TRPV6 (transient receptor potential cation channel subfamily V member 6; minus strand). Cytogenetic location: 7q34.
Variant type: single nucleotide variant.
Coding change: c.218G>A on transcript NM_018646.6 (MANE Select); coding-DNA position 218, G replaced by A.
Protein change: p.Arg73Gln; replaces arginine 73 with glutamine.
Molecular consequence: missense variant.
Genome position (GRCh38, 1-based): chr7:142,885,419, C>T on the plus strand (G>A on the coding strand, the complement: TRPV6 is on the minus strand). VCF-style: chr7-142885419-C-T. GRCh37 (hg19) VCF-style: chr7-142583164-C-T.
Other names: short protein forms R73Q.
Identifiers: ClinVar variation 2613648 (VCV002613648.3), dbSNP rs151059940, ClinGen allele CA4532958.
Genomic context (GRCh38, chr7:142,885,419, plus strand): 5'-GGGGAAGGGAGCAGACCAAGGGGGCCTTACCTCTTCTGCTGCAGCAGGTTCTGCTCATCT[C>T]GGCTCTGGGCCCAGGACTCCCGTCTCTGGAACCATCTGCAGAACTTGCTCCATAGGCAGA-3'
Protein context (NP_061116.5, residues 63-83): FQRRESWAQS[Arg73Gln]DEQNLLQQKR